The following is an entry in ClinVar:

ClinVar aggregate classification (germline): other (0 of 4 stars; one submission).

Conditions:
Familial colorectal cancer. Identifiers: MedGen CN280943, MONDO:0023113. Disease mechanism: loss of function.

Submission:

Systems Biology Platform Zhejiang California International NanoSystems Institute
Classification: other for Familial colorectal cancer. Review status: no assertion criteria provided. Collection method: not provided. Allele origin: unknown.
ClinVar note: Converted during submission from cancer to other.

NM_000038.6(APC):c.532-1110G>T

Gene: APC (APC regulator of WNT signaling pathway; plus strand). Cytogenetic location: 5q22.2.
Variant type: single nucleotide variant.
Coding change: c.532-1110G>T on transcript NM_000038.6 (MANE Select); 1110 bases into the intron before coding-DNA position 532, G replaced by T.
Molecular consequence: intron variant.
Genome position (GRCh38, 1-based): chr5:112,779,680, G>T. VCF-style: chr5-112779680-G-T. GRCh37 (hg19) VCF-style: chr5-112115377-G-T.
Other names: c.532-1110G>T (NM_001354895.2, NM_001127510.3, NM_001354896.2 and 2 more transcripts); c.562-1110G>T (NM_001354897.2, NM_001354902.2, NM_001127511.3); c.457-1110G>T (NM_001354898.2, NM_001354904.2); c.-504-1110G>T (NM_001354906.2); c.355-1110G>T (NM_001354900.2, NM_001354901.2, NM_001354905.2).
Identifiers: ClinVar variation 82933 (VCV000082933.2), dbSNP rs78370128, ClinGen allele CA010215.